The following is an entry in ClinVar:

ClinVar aggregate classification (germline): Benign/Likely benign. Review status: criteria provided, multiple submitters, no conflicts (2 of 4 stars). 3 submissions from 2 submitters: Benign (1); Likely benign (2). Last evaluated 2018-01-13.

Conditions:
Amyotrophic lateral sclerosis type 4 (ALS4). Also called: AMYOTROPHIC LATERAL SCLEROSIS 4, JUVENILE; NEURONOPATHY, DISTAL HEREDITARY MOTOR, WITH PYRAMIDAL FEATURES. Identifiers: Orphanet 357043, MedGen C1865409, MONDO:0011223, OMIM 602433.
Spinocerebellar ataxia, autosomal recessive, with axonal neuropathy 2 (SCAN2). Also called: ATAXIA-OCULOMOTOR APRAXIA 2; Ataxia-ocular apraxia-2; Ataxia with Oculomotor Apraxia; Ataxia with Oculomotor Apraxia Type 2. Identifiers: Orphanet 64753, MedGen C1853761, MONDO:0018996, OMIM 606002.

Allele frequency attached by ClinVar (database versions not stated): gnomAD exomes 0.00047; gnomAD 0.00155 and 0.00164; TOPMed 0.00166; 1000 Genomes Project 30x 0.00203; 1000 Genomes Project 0.00240.
gnomAD v4.1: 236 of 154,650 alleles (0.15%); highest among the groups gnomAD compares: African/African-American, 0.54%; 1 homozygote.

Submissions (3):

Illumina Laboratory Services, Illumina
Classification: Benign for Amyotrophic lateral sclerosis type 4. Last evaluated: 2018-01-13. Review status: criteria provided, single submitter. Criteria: ICSL Variant Classification Criteria 13 December 2019. Collection method: clinical testing. Allele origin: germline.
Comment: This variant was observed in the ICSL laboratory as part of a predisposition screen in an ostensibly healthy population. It had not been previously curated by ICSL or reported in the Human Gene Mutation Database (HGMD: prior to June 1st, 2018), and was therefore a candidate for classification through an automated scoring system. Utilizing variant allele frequency, disease prevalence and penetrance estimates, and inheritance mode, an automated score was calculated to assess if this variant is too frequent to cause the disease. Based on the score and internal cut-off values, a variant classified as benign is not then subjected to further curation. The score for this variant resulted in a classification of benign for this disease.

Illumina Laboratory Services, Illumina
Classification: Likely benign for Spinocerebellar ataxia, autosomal recessive, with axonal neuropathy 2. Last evaluated: 2018-01-13. Review status: criteria provided, single submitter. Criteria: ICSL Variant Classification Criteria 13 December 2019. Collection method: clinical testing. Allele origin: germline.
Comment: This variant was observed in the ICSL laboratory as part of a predisposition screen in an ostensibly healthy population. It had not been previously curated by ICSL or reported in the Human Gene Mutation Database (HGMD: prior to June 1st, 2018), and was therefore a candidate for classification through an automated scoring system. Utilizing variant allele frequency, disease prevalence and penetrance estimates, and inheritance mode, an automated score was calculated to assess if this variant is too frequent to cause the disease. Based on the score and internal cut-off values, a variant classified as likely benign is not then subjected to further curation. The score for this variant resulted in a classification of likely benign for this disease.

Breakthrough Genomics
Classification: Likely benign. Review status: criteria provided, single submitter. Criteria: ACMG Guidelines, 2015. Collection method: not provided. Allele origin: germline. Inheritance: Autosomal recessive inheritance. Affected: yes.

NM_015046.7(SETX):c.*2506T>C

Gene: SETX (senataxin; minus strand). Cytogenetic location: 9q34.13.
Variant type: single nucleotide variant.
Coding change: c.*2506T>C on transcript NM_015046.7 (MANE Select); 2506 bases downstream of the stop codon, T replaced by C.
Molecular consequence: 3 prime UTR variant.
Genome position (GRCh38, 1-based): chr9:132,261,733, A>G on the plus strand (T>C on the coding strand, the complement: SETX is on the minus strand). VCF-style: chr9-132261733-A-G. GRCh37 (hg19) VCF-style: chr9-135137120-A-G.
Other names: c.*2506T>C (NM_001351527.2, NM_001351528.2).
Identifiers: ClinVar variation 365304 (VCV000365304.6), dbSNP rs73545065, ClinGen allele CA10626611.
Genomic context (GRCh38, chr9:132,261,733, plus strand): 5'-AAATTCATTTACAGGAGGTTATTCACATGTACTTGTCAAATTTACTCCTGATAATTCACA[A>G]AAACATACAACTCAACAAACTGTGCACAATAAATCCAAGGCAAATTATATACAAAGAAAC-3'